The following is an entry in ClinVar:

ClinVar aggregate classification (germline): Uncertain significance. Review status: criteria provided, multiple submitters, no conflicts (2 of 4 stars). 7 submissions from 7 submitters: Uncertain significance (6). 1 of the submissions does not count toward it. Last evaluated 2026-07-03.

Conditions:
Congenital myasthenic syndrome 2A. Also called: Myasthenic syndrome, congenital, 2a, slow-channel. Identifiers: Orphanet 590, MedGen C4225374, MONDO:0014581, OMIM 616313.
Inborn genetic diseases. Identifiers: MedGen C0950123, MeSH D030342.

Allele frequency attached by ClinVar (database versions not stated): gnomAD 0.00005 and 0.00004; TOPMed 0.00004; gnomAD exomes 0.00009; ExAC 0.00011.
gnomAD v4.1: 109 of 1,614,102 alleles (0.0068%); highest among the groups gnomAD compares: South Asian, 0.057%; no homozygotes.

Submissions (7):

GeneDx
Classification: Uncertain significance. Last evaluated: 2026-07-03. Review status: criteria provided, single submitter. Criteria: GeneDx Variant Classification Process June 2021. Collection method: clinical testing. Allele origin: germline.
Comment: In silico analysis supports that this missense variant has a deleterious effect on protein structure/function; Has not been previously published as pathogenic or benign to our knowledge

Mayo Clinic Laboratories, Mayo Clinic
Classification: Uncertain significance. Last evaluated: 2025-06-27. Review status: criteria provided, single submitter. Criteria: ACMG Guidelines, 2015. Collection method: clinical testing. Allele origin: germline. Observed: 1 variant allele.
Comment: PP3_moderate

Labcorp Genetics (formerly Invitae), Labcorp
Classification: Uncertain significance for Congenital myasthenic syndrome 2A. Last evaluated: 2025-02-07. Review status: criteria provided, single submitter. Criteria: Invitae Variant Classification Sherloc (09022015). Collection method: clinical testing. Allele origin: germline.
Comment: This sequence change replaces arginine, which is basic and polar, with leucine, which is neutral and non-polar, at codon 469 of the CHRNB1 protein (p.Arg469Leu). This variant is present in population databases (rs762250406, gnomAD 0.06%). This variant has not been reported in the literature in individuals affected with CHRNB1-related conditions. ClinVar contains an entry for this variant (Variation ID: 659479). Invitae Evidence Modeling of protein sequence and biophysical properties (such as structural, functional, and spatial information, amino acid conservation, physicochemical variation, residue mobility, and thermodynamic stability) has been performed for this missense variant. However, the output from this modeling did not meet the statistical confidence thresholds required to predict the impact of this variant on CHRNB1 protein function. In summary, the available evidence is currently insufficient to determine the role of this variant in disease. Therefore, it has been classified as a Variant of Uncertain Significance.

Ambry Genetics
Classification: Uncertain significance for Inborn genetic diseases. Last evaluated: 2024-03-31. Review status: criteria provided, single submitter. Criteria: Ambry Variant Classification Scheme 2023. Collection method: clinical testing. Allele origin: germline.

Revvity Omics, Revvity
Classification: Uncertain significance. Last evaluated: 2019-08-23. Review status: criteria provided, single submitter. Criteria: ACMG Guidelines, 2015. Collection method: clinical testing. Allele origin: germline.

Breakthrough Genomics
Classification: Uncertain significance. Review status: criteria provided, single submitter. Criteria: ACMG Guidelines, 2015. Collection method: not provided. Allele origin: germline. Inheritance: Autosomal recessive inheritance. Affected: yes.

Hong-Tao Li Lab, Institute of Brain Science and Brain-inspired Research, Shandong First Medical University & Shandong Academy of Medical Sciences China
Classification: Uncertain significance for Congenital myasthenic syndrome 2A. Review status: no assertion criteria provided. Collection method: research. Allele origin: germline. Inheritance: Autosomal dominant inheritance. Affected: yes. Observed: 1 variant allele, 1 heterozygote. Not counted in ClinVar's aggregate classification.
Comment: Observed in affected individuals from a Pakistani neurodevelopmental-disorder research cohort of 263 individuals. Classification assigned using the ACMG/AMP framework. Population-frequency evidence: gnomAD AF 8.485e-05.

NM_000747.3(CHRNB1):c.1406G>T (p.Arg469Leu)

Gene: CHRNB1 (cholinergic receptor nicotinic beta 1 subunit; plus strand). Cytogenetic location: 17p13.1.
Variant type: single nucleotide variant.
Coding change: c.1406G>T on transcript NM_000747.3 (MANE Select); coding-DNA position 1406, G replaced by T.
Protein change: p.Arg469Leu; replaces arginine 469 with leucine.
Molecular consequence: missense variant.
Genome position (GRCh38, 1-based): chr17:7,456,623, G>T. VCF-style: chr17-7456623-G-T. GRCh37 (hg19) VCF-style: chr17-7359942-G-T.
Other names: p.Arg469Leu; short protein forms R469L.
Identifiers: ClinVar variation 659479 (VCV000659479.15), dbSNP rs762250406, ClinGen allele CA8348067.